The following is an entry in ClinVar:

ClinVar aggregate classification (germline): Uncertain significance (1 of 4 stars; one submission).

Submission:

Labcorp Genetics (formerly Invitae), Labcorp
Classification: Uncertain significance. Last evaluated: 2024-10-30. Review status: criteria provided, single submitter. Criteria: Invitae Variant Classification Sherloc (09022015). Collection method: clinical testing. Allele origin: germline.
Comment: This variant, c.41_46dup, results in the insertion of 2 amino acid(s) of the PNPT1 protein (p.Arg14_Pro15dup), but otherwise preserves the integrity of the reading frame. This variant is not present in population databases (gnomAD no frequency). This variant has not been reported in the literature in individuals affected with PNPT1-related conditions. ClinVar contains an entry for this variant (Variation ID: 1375782). Experimental studies and prediction algorithms are not available or were not evaluated, and the functional significance of this variant is currently unknown. In summary, the available evidence is currently insufficient to determine the role of this variant in disease. Therefore, it has been classified as a Variant of Uncertain Significance.

NM_033109.5(PNPT1):c.41_46dup (p.Arg14_Pro15dup)

Genes: PNPT1 (polyribonucleotide nucleotidyltransferase 1; minus strand), LOC129933770 (ATAC-STARR-seq lymphoblastoid active region 15785; plus strand). Cytogenetic location: 2p16.1.
Variant type: Duplication.
Coding change: c.41_46dup on transcript NM_033109.5 (MANE Select); coding-DNA positions 41 to 46, 6 bases duplicated (GGCCCC; older notation c.41_46dupGGCCCC).
Protein change: p.Arg14_Pro15dup.
Molecular consequence: inframe insertion.
Genome position (GRCh38, 1-based): chr2:55,693,778-55,693,783, GGGGCC duplicated on the plus strand (GGCCCC on the coding strand, the reverse complement: PNPT1 is on the minus strand); duplicating any 6 consecutive bases within chr2:55,693,778-55,693,785 gives the same sequence; the c. name uses the placement nearest the transcript's 3' end. VCF-style (leftmost placement, unchanged base first): chr2-55693777-A-AGGGGCC. GRCh37 (hg19) VCF-style: chr2-55920912-A-AGGGGCC.
Identifiers: ClinVar variation 1375782 (VCV001375782.6), dbSNP rs2104207134, ClinGen allele CA2573135059.